The following is an entry in ClinVar:

NM_005228.5(EGFR):c.1881-803G>T

Gene: EGFR (epidermal growth factor receptor; plus strand). Cytogenetic location: 7p11.2.
Variant type: single nucleotide variant.
Coding change: c.1881-803G>T on transcript NM_005228.5 (MANE Select); 803 bases into the intron before coding-DNA position 1881, G replaced by T.
Molecular consequence: intron variant. On other transcripts: missense variant (1).
Genome position (GRCh38, 1-based): chr7:55,170,372, G>T. VCF-style: chr7-55170372-G-T. GRCh37 (hg19) VCF-style: chr7-55238065-G-T.
Other names: c.1946G>T, p.Ser649Ile (NM_201284.2); c.1746-803G>T (NM_001346899.2, NM_001346897.2); c.1080-803G>T (NM_001346941.2); c.1881-803G>T (NM_001346898.2); c.1722-803G>T (NM_001346900.2); short protein forms S649I.
Identifiers: ClinVar variation 3357580 (VCV003357580.2).

ClinVar aggregate classification (germline): Uncertain significance. Review status: criteria provided, single submitter (1 of 4 stars). 2 submissions from 2 submitters: Uncertain significance (1). 1 of the submissions does not count toward it. Last evaluated 2026-07-07.

Conditions:
Hereditary cancer-predisposing syndrome. Also called: Tumor predisposition; Hereditary Cancer Syndrome; Hereditary neoplastic syndrome; Neoplastic Syndromes, Hereditary. Identifiers: Orphanet 140162, MedGen C0027672, MeSH D009386, MONDO:0015356.
EGFR-related disorder. Also called: EGFR-related condition.

Submissions (2):

Ambry Genetics
Classification: Uncertain significance for Hereditary cancer-predisposing syndrome. Last evaluated: 2026-07-07. Review status: criteria provided, single submitter. Criteria: Ambry Variant Classification Scheme 2023. Collection method: clinical testing. Allele origin: germline.
Comment: The p.S649I variant (also known as c.1946G>T), located in coding exon 16 of the EGFR gene, results from a G to T substitution at nucleotide position 1946. The serine at codon 649 is replaced by isoleucine, an amino acid with dissimilar properties. This amino acid position is conserved. In addition, this alteration is predicted to be tolerated by in silico analysis. Based on the available evidence, the clinical significance of this variant remains unclear.

PreventionGenetics, part of Exact Sciences
Classification: Uncertain significance for EGFR-related condition. Last evaluated: 2024-09-23. Review status: no assertion criteria provided. Collection method: clinical testing. Allele origin: germline. Not counted in ClinVar's aggregate classification.
Comment: The EGFR c.1946G>T variant is predicted to result in the amino acid substitution p.Ser649Ile. To our knowledge, this variant has not been reported in the literature or in a large population database, indicating this variant is rare. This variant is not present in ClinVar. At this time, the clinical significance of this variant is uncertain due to the absence of conclusive functional and genetic evidence.